The following is an entry in ClinVar:

ClinVar aggregate classification (germline): Conflicting classifications of pathogenicity. Review status: criteria provided, conflicting classifications (1 of 4 stars). 3 submissions from 3 submitters: Uncertain significance (1); Likely benign (2). Last evaluated 2025-07-31.

Conditions:
TTN-related disorder. Also called: TTN-related disorders; TTN-related condition; TTN-related disease.
Cardiovascular phenotype. Identifiers: MedGen CN230736.

Allele frequency attached by ClinVar (database versions not stated): ExAC 0.00001; gnomAD 0.00001; TOPMed 0.00001.
gnomAD v4.1: 6 of 1,613,960 alleles (0.00037%); highest among the groups gnomAD compares: African/African-American, 0.0027%; no homozygotes.

Submissions (3):

PreventionGenetics, part of Exact Sciences
Classification: Likely benign for TTN-related condition. Last evaluated: 2025-07-31. Review status: criteria provided, single submitter. Criteria: ACMG Guidelines, 2015. Collection method: clinical testing. Allele origin: germline.
Comment: This variant is classified as likely benign based on ACMG/AMP sequence variant interpretation guidelines (Richards et al. 2015 PMID: 25741868, with internal and published modifications).

Ambry Genetics
Classification: Likely benign for Cardiovascular phenotype. Last evaluated: 2021-05-06. Review status: criteria provided, single submitter. Criteria: Ambry Variant Classification Scheme 2023. Collection method: clinical testing. Allele origin: germline.

GeneDx
Classification: Uncertain significance. Last evaluated: 2017-04-27. Review status: criteria provided, single submitter. Criteria: GeneDx Variant Classification (06012015). Collection method: clinical testing. Allele origin: germline. Affected: yes.
Comment: A novel variant of uncertain significance has been identified in the TTN gene. The c.3414 A>G variant has not been published as a pathogenic variant, nor has it been reported as a benign variant to our knowledge. This variant was not observed in approximately 6,500 individuals of European and African American ancestry in the NHLBI Exome Sequencing Project, indicating it is not a common benign variant in these populations. Although the c.3414 A>G variant results in a synonymous amino acid substitution (E1138E), in silico splice prediction programs predict this variant activates a cryptic splice donor site upstream of the natural donor site for intron 21 and may cause abnormal gene splicing, resulting in either an abnormal, truncated protein product or loss of protein from this allele through nonsense-mediated mRNA decay. However, c.3414 A>G is not located in the A-band region of titin, where the majority of pathogenic truncating variants associated with DCM have been reported (Herman D et al., 2012). In addition, other truncating TTN variants have been reported in approximately 3% of control alleles (Herman D et al., 2012). Furthermore, this substitution occurs at a nucleotide that is not conserved across species, and Guanine is the wild-type nucleotide at this position in multiple species. Therefore, based on the currently available information, it is unclear whether this variant is pathogenic or benign.

NM_001267550.2(TTN):c.3414A>G (p.Glu1138=)

Gene: TTN (titin; minus strand). Cytogenetic location: 2q31.2.
Variant type: single nucleotide variant.
Coding change: c.3414A>G on transcript NM_001267550.2 (MANE Select); coding-DNA position 3414, A replaced by G.
Protein change: p.Glu1138=; no amino-acid change (glutamic acid 1138 retained).
Molecular consequence: synonymous variant.
Genome position (GRCh38, 1-based): chr2:178,781,230, T>C on the plus strand (A>G on the coding strand, the complement: TTN is on the minus strand). VCF-style: chr2-178781230-T-C. GRCh37 (hg19) VCF-style: chr2-179645957-T-C.
Other names: c.3414A>G, p.Glu1138= (NM_001256850.1, NM_133378.4, NM_133379.5); c.3276A>G, p.Glu1092= (NM_003319.4, NM_133432.3, NM_133437.4).
Identifiers: ClinVar variation 429487 (VCV000429487.5), dbSNP rs777365068, ClinGen allele CA2005554.